The following is an entry in ClinVar:

NM_020533.3(MCOLN1):c.938_939insG (p.Phe313fs)

Gene: MCOLN1 (mucolipin TRP cation channel 1; plus strand). Cytogenetic location: 19p13.2.
Variant type: Insertion.
Coding change: c.938_939insG on transcript NM_020533.3 (MANE Select); coding-DNA positions 938 to 939, G inserted.
Protein change: p.Phe313fs; shifts the reading frame from phenylalanine 313.
Molecular consequence: frameshift variant.
Genome position: GRCh38 VCF-style: chr19-7528657-T-TG. GRCh37 (hg19) VCF-style: chr19-7593543-T-TG.
Other names: short protein forms F313fs.
Identifiers: ClinVar variation 5011714 (VCV005011714.1).
Genomic context (GRCh38, chr19:7,528,657, plus strand): 5'-GAGACAACAGCTTCCGGCTCCTGTTTGACGTGGTGGTCATCCTCACCTGCTCCCTGTCCT[T>TG]CCTCCTCTGCGCCCGCTCACTCCTTCGAGGCTTCCTGCTGCAGAACGTGAGGCTTCTGCG-3'

ClinVar aggregate classification (germline): Pathogenic (1 of 4 stars; one submission).

Conditions:
Mucolipidosis type IV (ML4). Also called: ML IV. Identifiers: Orphanet 578, MedGen C0238286, MONDO:0009653, OMIM 252650.

Submission:

Myriad Genetics, Inc.
Classification: Pathogenic for Mucolipidosis type IV. Last evaluated: 2023-09-21. Review status: criteria provided, single submitter. Criteria: Myriad Autosomal Dominant, Autosomal Recessive and X-Linked Classification Criteria (2023). Collection method: clinical testing. Allele origin: unknown.
Comment: NM_020533.2(MCOLN1):c.938_939insG(F313Lfs*150) is expected to be pathogenic in the context of mucolipidosis IV. This variant is predicted to lead to an abnormal or absent protein product due to the creation of a premature termination codon in MCOLN1, a gene where loss-of-function variants are known to be pathogenic. Please note: this variant was assessed in the context of healthy population screening.